The following is an entry in ClinVar:

NM_024496.4(IRF2BPL):c.1552C>T (p.Pro518Ser)

Gene: IRF2BPL (interferon regulatory factor 2 binding protein like; minus strand). Cytogenetic location: 14q24.3.
Variant type: single nucleotide variant.
Coding change: c.1552C>T on transcript NM_024496.4 (MANE Select); coding-DNA position 1552, C replaced by T.
Protein change: p.Pro518Ser; replaces proline 518 with serine.
Molecular consequence: missense variant.
Genome position (GRCh38, 1-based): chr14:77,026,241, G>A on the plus strand (C>T on the coding strand, the complement: IRF2BPL is on the minus strand). VCF-style: chr14-77026241-G-A. GRCh37 (hg19) VCF-style: chr14-77492584-G-A.
Other names: short protein forms P518S.
Identifiers: ClinVar variation 3365799 (VCV003365799.2).

ClinVar aggregate classification (germline): Uncertain significance. Review status: criteria provided, multiple submitters, no conflicts (2 of 4 stars). 2 submissions from 2 submitters: Uncertain significance (2). Last evaluated 2024-12-18.

Conditions:
Neurodevelopmental disorder with regression, abnormal movements, loss of speech, and seizures. Identifiers: Orphanet 597623, MedGen C4748127, MONDO:0060759, OMIM 618088.

Submissions (2):

Genomic Medicine Center of Excellence, King Faisal Specialist Hospital and Research Centre
Classification: Uncertain significance for Neurodevelopmental disorder with regression, abnormal movements, loss of speech, and seizures. Last evaluated: 2024-12-18. Review status: criteria provided, single submitter. Criteria: ACMG Guidelines, 2015. Collection method: clinical testing. Allele origin: germline.

GeneDx
Classification: Uncertain significance. Last evaluated: 2023-12-14. Review status: criteria provided, single submitter. Criteria: GeneDx Variant Classification Process June 2021. Collection method: clinical testing. Allele origin: germline. Affected: yes.
Comment: Not observed at significant frequency in large population cohorts (gnomAD); In silico analysis supports that this missense variant does not alter protein structure/function; Has not been previously published as pathogenic or benign to our knowledge